The following is an entry in ClinVar:

NM_004006.3(DMD):c.3603+1796A>G

Gene: DMD (dystrophin; minus strand). Cytogenetic location: Xp21.1.
Variant type: single nucleotide variant.
Coding change: c.3603+1796A>G on transcript NM_004006.3 (MANE Select); 1796 bases into the intron after coding-DNA position 3603, A replaced by G.
Molecular consequence: intron variant.
Genome position (GRCh38, 1-based): chrX:32,452,866, T>C on the plus strand (A>G on the coding strand, the complement: DMD is on the minus strand). VCF-style: chrX-32452866-T-C. GRCh37 (hg19) VCF-style: chrX-32470983-T-C.
Other names: c.3579+1796A>G (NM_000109.4); c.3591+1796A>G (NM_004009.3); c.3234+1796A>G (NM_004010.3).
Identifiers: ClinVar variation 680696 (VCV000680696.1), dbSNP rs5972574, ClinGen allele CA327996092.

ClinVar aggregate classification (germline): Benign (1 of 4 stars; one submission).

Allele frequency attached by ClinVar (database versions not stated): gnomAD 0.16484 and 0.16974; TOPMed 0.18369; 1000 Genomes Project 0.21377; 1000 Genomes Project 30x 0.21727.
gnomAD v4.1: 18,116 of 110,625 alleles (16%); highest among the groups gnomAD compares: African/African-American, 46%; 2,554 homozygotes.

Submission:

GeneDx
Classification: Benign. Last evaluated: 2018-06-14. Review status: criteria provided, single submitter. Criteria: GeneDx Variant Classification (06012015). Collection method: clinical testing. Allele origin: germline. Affected: yes.
Comment: This variant is considered likely benign or benign based on one or more of the following criteria: it is a conservative change, it occurs at a poorly conserved position in the protein, it is predicted to be benign by multiple in silico algorithms, and/or has population frequency not consistent with disease.